The following is an entry in ClinVar:

NM_000211.5(ITGB2):c.715G>A (p.Ala239Thr)

Gene: ITGB2 (integrin subunit beta 2; minus strand). Cytogenetic location: 21q22.3.
Variant type: single nucleotide variant.
Coding change: c.715G>A on transcript NM_000211.5 (MANE Select); coding-DNA position 715, G replaced by A.
Protein change: p.Ala239Thr; replaces alanine 239 with threonine.
Molecular consequence: missense variant.
Genome position (GRCh38, 1-based): chr21:44,901,518, C>T on the plus strand (G>A on the coding strand, the complement: ITGB2 is on the minus strand). VCF-style: chr21-44901518-C-T. GRCh37 (hg19) VCF-style: chr21-46321433-C-T.
Other names: c.715G>A, p.Ala239Thr (NM_001127491.3); c.508G>A, p.Ala170Thr (NM_001303238.2); short protein forms A239T, A170T.
Identifiers: ClinVar variation 68216 (VCV000068216.7), dbSNP rs179363873, ClinGen allele CA219188.

ClinVar aggregate classification (germline): Pathogenic/Likely pathogenic. Review status: criteria provided, multiple submitters, no conflicts (2 of 4 stars). 3 submissions from 3 submitters: Pathogenic (1); Likely pathogenic (1). 1 of the submissions does not count toward it. Last evaluated 2023-07-19.

Conditions:
Leukocyte adhesion deficiency 1 (LAD1). Also called: LEUKOCYTE ADHESION DEFICIENCY, TYPE I; LAD 1; Lymphocyte function-associated antigen 1 immunodeficiency; LFA 1 immunodeficiency. Identifiers: Orphanet 2968, Orphanet 99842, MedGen C0398738, MONDO:0007293, OMIM 116920.

Allele frequency attached by ClinVar (database versions not stated): gnomAD exomes below 0.00001.
gnomAD v4.1: 5 of 1,614,214 alleles (0.00031%); highest among the groups gnomAD compares: East Asian, 0.0022%; no homozygotes.

Submissions (3):

Labcorp Genetics (formerly Invitae), Labcorp
Classification: Pathogenic for Leukocyte adhesion deficiency 1. Last evaluated: 2023-07-19. Review status: criteria provided, single submitter. Criteria: Invitae Variant Classification Sherloc (09022015). Collection method: clinical testing. Allele origin: germline.
Comment: This sequence change replaces alanine, which is neutral and non-polar, with threonine, which is neutral and polar, at codon 239 of the ITGB2 protein (p.Ala239Thr). This variant is not present in population databases (gnomAD no frequency). This missense change has been observed in individual(s) with leukocyte adhesion deficiency type 1 (PMID: 20549317, 26639818, 33391282). ClinVar contains an entry for this variant (Variation ID: 68216). Advanced modeling of protein sequence and biophysical properties (such as structural, functional, and spatial information, amino acid conservation, physicochemical variation, residue mobility, and thermodynamic stability) has been performed at Invitae for this missense variant, however the output from this modeling did not meet the statistical confidence thresholds required to predict the impact of this variant on ITGB2 protein function. Experimental studies have shown that this missense change affects ITGB2 function (PMID: 25514840). For these reasons, this variant has been classified as Pathogenic.

Genomic Research Center, Shahid Beheshti University of Medical Sciences
Classification: Likely pathogenic for Leukocyte adhesion deficiency 1. Last evaluated: 2020-05-03. Review status: criteria provided, single submitter. Criteria: ACMG Guidelines, 2015. Collection method: clinical testing. Allele origin: unknown.

UniProtKB/Swiss-Prot
No classification provided. Review status: no classification provided. Collection method: not provided. Allele origin: not provided. Not counted in ClinVar's aggregate classification.

Literature cited by the submitters: PubMed 20549317 (cited by Labcorp Genetics (formerly Invitae), Labcorp); PubMed 26639818 (cited by Labcorp Genetics (formerly Invitae), Labcorp); PubMed 33391282 (cited by Labcorp Genetics (formerly Invitae), Labcorp); PubMed 25514840 (cited by Labcorp Genetics (formerly Invitae), Labcorp).